The following is an entry in ClinVar:

NM_000384.3(APOB):c.35_36delinsCT (p.Leu12Pro)

Genes: APOB (apolipoprotein B; minus strand), LOC106560211 (APOB 5' regulatory region; plus strand). Cytogenetic location: 2p24.1.
Variant type: Indel.
Coding change: c.35_36delinsCT on transcript NM_000384.3 (MANE Select); coding-DNA positions 35 to 36, TG replaced by CT.
Protein change: p.Leu12Pro; replaces leucine 12 with proline.
Molecular consequence: missense variant.
Genome position (GRCh38, 1-based): chr2:21,043,910-21,043,911, CA replaced by AG on the plus strand (TG replaced by CT on the coding strand, the reverse complement: APOB is on the minus strand). VCF-style: chr2-21043910-CA-AG. GRCh37 (hg19) VCF-style: chr2-21266782-CA-AG.
Other names: c.35_36delinsCT (NM_000384.2); c.35_36delTGinsCT (NM_000384.2); short protein forms L12P.
Identifiers: ClinVar variation 3572073 (VCV003572073.2).

ClinVar aggregate classification (germline): Conflicting classifications of pathogenicity. Review status: criteria provided, conflicting classifications (1 of 4 stars). 2 submissions from 2 submitters: Uncertain significance (1); Likely benign (1). Last evaluated 2025-02-07.

Conditions:
Cardiovascular phenotype. Identifiers: MedGen CN230736.

Submissions (2):

Ambry Genetics
Classification: Likely benign for Cardiovascular phenotype. Last evaluated: 2025-02-07. Review status: criteria provided, single submitter. Criteria: Ambry Variant Classification Scheme 2023. Collection method: clinical testing. Allele origin: germline.

Quest Diagnostics Nichols Institute San Juan Capistrano
Classification: Uncertain significance. Last evaluated: 2024-09-03. Review status: criteria provided, single submitter. Criteria: Quest Diagnostics criteria. Collection method: clinical testing. Allele origin: unknown.
Comment: The APOB c.44_49del (p.Pro15_Ala16del) and c.35_36delinsCT (p.Leu12Pro) complex allele has not been reported in individuals with APOB-related conditions in the published literature. It also has not been reported in large, multi-ethnic general populations (Genome Aggregation Database). Analysis of this variant using bioinformatics tools for the prediction of the effect of amino acid changes on protein structure and function yielded predictions that this variant is benign. Based on the available information, we are unable to determine the clinical significance of this variant.